The following is an entry in ClinVar:

NM_024596.5(MCPH1):c.987G>T (p.Lys329Asn)

Gene: MCPH1 (microcephalin 1; plus strand). Cytogenetic location: 8p23.1.
Variant type: single nucleotide variant.
Coding change: c.987G>T on transcript NM_024596.5 (MANE Select); coding-DNA position 987, G replaced by T.
Protein change: p.Lys329Asn; replaces lysine 329 with asparagine.
Molecular consequence: missense variant. On other transcripts: non-coding transcript variant (1).
Genome position (GRCh38, 1-based): chr8:6,444,709, G>T. VCF-style: chr8-6444709-G-T. GRCh37 (hg19) VCF-style: chr8-6302230-G-T.
Other names: c.987G>T, p.Lys329Asn (NM_001172574.2, NM_001322042.2, NM_001363979.1 and 3 more transcripts); c.843G>T, p.Lys281Asn (NM_001172575.2); c.981G>T, p.Lys327Asn (NM_001322043.2); c.885G>T, p.Lys295Asn (NM_001322045.2); short protein forms K281N, K295N, K327N, K329N.
Identifiers: ClinVar variation 2121718 (VCV002121718.4), dbSNP rs957426667, ClinGen allele CA370220415.

ClinVar aggregate classification (germline): Uncertain significance (1 of 4 stars; one submission).

Submission:

Labcorp Genetics (formerly Invitae), Labcorp
Classification: Uncertain significance. Last evaluated: 2022-04-04. Review status: criteria provided, single submitter. Criteria: Invitae Variant Classification Sherloc (09022015). Collection method: clinical testing. Allele origin: germline.
Comment: In summary, the available evidence is currently insufficient to determine the role of this variant in disease. Therefore, it has been classified as a Variant of Uncertain Significance. Algorithms developed to predict the effect of missense changes on protein structure and function output the following: SIFT: "Not Available"; PolyPhen-2: "Probably Damaging"; Align-GVGD: "Not Available". The asparagine amino acid residue is found in multiple mammalian species, which suggests that this missense change does not adversely affect protein function. This variant has not been reported in the literature in individuals affected with MCPH1-related conditions. This variant is not present in population databases (gnomAD no frequency). This sequence change replaces lysine, which is basic and polar, with asparagine, which is neutral and polar, at codon 329 of the MCPH1 protein (p.Lys329Asn).